The following is an entry in ClinVar:

ClinVar aggregate classification (germline): Pathogenic (1 of 4 stars; one submission).

Conditions:
Joubert syndrome. Also called: CEREBELLOPARENCHYMAL DISORDER IV; JOUBERT-BOLTSHAUSER SYNDROME; Familial aplasia of the vermis. Identifiers: Orphanet 475, MedGen C5979921, MONDO:0018772.

Submission:

Labcorp Genetics (formerly Invitae), Labcorp
Classification: Pathogenic for Joubert syndrome. Last evaluated: 2024-03-26. Review status: criteria provided, single submitter. Criteria: Invitae Variant Classification Sherloc (09022015). Collection method: clinical testing. Allele origin: germline.
Comment: This sequence change creates a premature translational stop signal (p.Arg535*) in the AHI1 gene. It is expected to result in an absent or disrupted protein product. Loss-of-function variants in AHI1 are known to be pathogenic (PMID: 15322546, 16453322, 28442542, 29186038). This variant is not present in population databases (gnomAD no frequency). This variant has not been reported in the literature in individuals affected with AHI1-related conditions. For these reasons, this variant has been classified as Pathogenic.

Literature cited by the submitters: PubMed 15322546; PubMed 16453322; PubMed 28442542; PubMed 29186038.

NM_001134831.2(AHI1):c.1597_1621del25 (p.Val534_Arg535insTer)

Gene: AHI1 (Abelson helper integration site 1; minus strand). Cytogenetic location: 6q23.3.
Variant type: Deletion.
Coding change: c.1597_1621del25 on transcript NM_001134831.2 (MANE Select); coding-DNA positions 1597 to 1621, 25 bases deleted (AAGAGGACTGAAAGTTCCAGACTGT).
Protein change: p.Val534_Arg535insTer.
Molecular consequence: nonsense.
Genome position (GRCh38, 1-based): chr6:135,448,290-135,448,314, ACAGTCTGGAACTTTCAGTCCTCTT deleted on the plus strand (AAGAGGACTGAAAGTTCCAGACTGT on the coding strand, the reverse complement: AHI1 is on the minus strand); deleting any 25 consecutive bases within chr6:135,448,290-135,448,319 gives the same sequence; the c. name uses the placement nearest the transcript's 3' end. VCF-style (leftmost placement, unchanged base first): chr6-135448289-CACAGTCTGGAACTTTCAGTCCTCTT-C. GRCh37 (hg19) VCF-style: chr6-135769427-CACAGTCTGGAACTTTCAGTCCTCTT-C.
Other names: c.1597_1621del25, p.Val534_Arg535insTer (NM_001134830.2, NM_001134832.2, NM_001350503.2 and 2 more transcripts).
Identifiers: ClinVar variation 3647695 (VCV003647695.2).